The following is an entry in ClinVar:

NM_000286.3(PEX12):c.744dup (p.Thr249fs)

Gene: PEX12 (peroxisomal biogenesis factor 12; minus strand). Cytogenetic location: 17q12.
Variant type: Duplication.
Coding change: c.744dup on transcript NM_000286.3 (MANE Select); coding-DNA position 744, one base duplicated (T; older notation c.744dupT).
Protein change: p.Thr249fs; shifts the reading frame from threonine 249.
Molecular consequence: frameshift variant.
Genome position (GRCh38, 1-based): chr17:35,576,118, A duplicated on the plus strand (T on the coding strand, the reverse complement: PEX12 is on the minus strand). VCF-style (leftmost placement, unchanged base first): chr17-35576117-T-TA. GRCh37 (hg19) VCF-style: chr17-33903136-T-TA.
Other names: c.744dupT (NM_000286.2); short protein forms T249fs.
Identifiers: ClinVar variation 553741 (VCV000553741.19), dbSNP rs61752108, ClinGen allele CA290068377.
Genomic context (GRCh38, chr17:35,576,117, plus strand): 5'-TTTCAGATGAGTACCACCAGTCAAGGAACTGCAAGAAGAATACACCCACAGAAAGGCCAG[T>TA]AGACAGGGATAAGGCAACACCCCCAACAGCTTTCTTCAGAGCTGAGTTTATCTTCTCACT-3'

ClinVar aggregate classification (germline): Pathogenic/Likely pathogenic. Review status: criteria provided, multiple submitters, no conflicts (2 of 4 stars). 8 submissions from 8 submitters: Pathogenic (3); Likely pathogenic (3). 2 of the submissions do not count toward it. Last evaluated 2026-01-13.

Conditions:
Peroxisome biogenesis disorder 3A (Zellweger). Also called: PEROXISOMAL BIOGENESIS DISORDER 3A (ZELLWEGER); Peroxisome biogenesis disorder 3A. Identifiers: Orphanet 912, MedGen C3553929, MONDO:0013927, OMIM 614859.
Peroxisome biogenesis disorder. Identifiers: Orphanet 79189, MedGen C1832200, MONDO:0019234. Disease mechanism: loss of function.
PEX12-related disorder. Also called: PEX12-related condition; PEX12-related disorders.
Peroxisome biogenesis disorder type 3B. Identifiers: Orphanet 44, Orphanet 772, MedGen C3550693, MONDO:0009959, OMIM 266510.

Allele frequency attached by ClinVar (database versions not stated): gnomAD 0.00001; gnomAD exomes 0.00001; TOPMed 0.00002.

Submissions (8):

Labcorp Genetics (formerly Invitae), Labcorp
Classification: Pathogenic for Peroxisome biogenesis disorder 3A (Zellweger). Last evaluated: 2026-01-13. Review status: criteria provided, single submitter. Criteria: Invitae Variant Classification Sherloc (09022015). Collection method: clinical testing. Allele origin: germline.
Comment: This sequence change creates a premature translational stop signal (p.Thr249Tyrfs*14) in the PEX12 gene. While this is not anticipated to result in nonsense mediated decay, it is expected to disrupt the last 111 amino acid(s) of the PEX12 protein. This variant is present in population databases (rs61752108, gnomAD 0.003%). This premature translational stop signal has been observed in individual(s) with Zellweger syndrome (PMID: 9090384, 9792857). This variant is also known as c.744_745insT. ClinVar contains an entry for this variant (Variation ID: 553741). Algorithms developed to predict the effect of variants on gene product structure and function are not available or were not evaluated for this variant. Experimental studies have shown that this premature translational stop signal affects PEX12 function (PMID: 9090384). Algorithms developed to predict the effect of sequence changes on RNA splicing suggest that this variant may disrupt the consensus splice site. This variant disrupts a region of the PEX12 protein in which other variant(s) (p.Leu297Thrfs*12) have been determined to be pathogenic (PMID: 9792857, 14571262, 21031596, 25287621, 26094004). This suggests that this is a clinically significant region of the protein, and that variants that disrupt it are likely to be disease-causing. For these reasons, this variant has been classified as Pathogenic.

PreventionGenetics, part of Exact Sciences
Classification: Likely pathogenic for PEX12-related condition. Last evaluated: 2025-01-10. Review status: criteria provided, single submitter. Criteria: ACMG Guidelines, 2015. Collection method: clinical testing. Allele origin: germline.
Comment: The PEX12 c.744dupT variant is predicted to result in a frameshift and premature protein termination (p.Thr249Tyrfs*14). This variant, alternatively referred to as c.744_745insT in the literature, has been reported in the compound heterozygous state in a newborn with Zellweger syndrome (ZS) (Chang et al. 1997. PubMed ID: 9090384) and in another individual with ZS, without indication of a second causative variant (Ebberink et al. 2011. PubMed ID: 21031596). Functional studies indicate this variant affects protein activation (Chang et al. 1997. PubMed ID: 9090384; Chang and Gould. 1998. PubMed ID: 9792857). This variant is reported in 0.0029% of alleles in individuals of Latino descent in gnomAD. Frameshift variants in PEX12 are expected to be pathogenic. This variant is interpreted as likely pathogenic.

Blueprint Genetics
Classification: Likely pathogenic for PEX12-related disorders. Last evaluated: 2024-09-21. Review status: criteria provided, single submitter. Criteria: ACMG Guidelines, 2015. Collection method: clinical testing. Allele origin: germline. Affected: yes. Observed: 4 variant alleles.

Baylor Genetics
Classification: Pathogenic for Peroxisome biogenesis disorder 3A (Zellweger). Last evaluated: 2023-09-25. Review status: criteria provided, single submitter. Criteria: ACMG Guidelines, 2015. Collection method: clinical testing. Allele origin: unknown.

Women's Health and Genetics/Laboratory Corporation of America, LabCorp
Classification: Pathogenic for Peroxisome biogenesis disorder. Last evaluated: 2022-06-06. Review status: criteria provided, single submitter. Criteria: LabCorp Variant Classification Summary - May 2015. Collection method: clinical testing. Allele origin: germline.
Comment: Variant summary: PEX12 c.744dupT (p.Thr249TyrfsX14) results in a premature termination codon, predicted to cause a truncation of the encoded protein or absence of the protein due to nonsense mediated decay, which are commonly known mechanisms for disease. Truncations downstream of this position have been classified as pathogenic by our laboratory. The variant allele was found at a frequency of 8e-06 in 250122 control chromosomes (gnomAD). c.744dupT has been reported in the literature in individuals affected with Zellweger Syndrome (e.g. Chang_1997, Ebberink_2011). One of these patients was shown to have impaired PTS1- and PTS2-protein transport, and reduced PEX12 mRNA levels (Chang_1998). These data indicate that the variant is likely to be associated with disease. Three ClinVar submitters (evaluation after 2014) cite the variant as pathogenic/likely pathogenic. Based on the evidence outlined above, the variant was classified as pathogenic.

GeneDx
Classification: Likely pathogenic. Last evaluated: 2019-10-21. Review status: criteria provided, single submitter. Criteria: GeneDx Variant Classification Process June 2021. Collection method: clinical testing. Allele origin: germline. Affected: yes.
Comment: Observed with a variant on the opposite allele (in trans) in a patient with Zellweger syndrome in the published literature (Chang et al., 1997; Chang and Gould, 1998; Ebberink et al., 2011); Frameshift variant predicted to result in protein truncation, as the last 111 amino acids are replaced with 13 different amino acids, and other loss-of-function variants have been reported downstream in the Human Gene Mutation Database (Stenson et al., 2014); Not observed at a significant frequency in large population cohorts (Lek et al., 2016); This variant is associated with the following publications: (PMID: 9090384, 9792857, 21031596)

Counsyl
Classification: Pathogenic for Peroxisome biogenesis disorder type 3B; Peroxisome biogenesis disorder 3A (Zellweger). Last evaluated: 2017-09-08. Review status: no assertion criteria provided. Collection method: clinical testing. Allele origin: unknown. Not counted in ClinVar's aggregate classification.

OMIM
Classification: Pathogenic for PEROXISOMAL BIOGENESIS DISORDER 3A (ZELLWEGER). Last evaluated: 1997-04-01. Review status: no assertion criteria provided. Collection method: literature only. Allele origin: germline. Not counted in ClinVar's aggregate classification.

Literature cited by the submitters: PubMed 9090384 (cited by 3 submitters); PubMed 9792857 (cited by 3 submitters); PubMed 14571262 (cited by Labcorp Genetics (formerly Invitae), Labcorp); PubMed 21031596 (cited by 3 submitters); PubMed 25287621 (cited by Labcorp Genetics (formerly Invitae), Labcorp); PubMed 26094004 (cited by Labcorp Genetics (formerly Invitae), Labcorp); PubMed 15542397 (cited by Women's Health and Genetics/Laboratory Corporation of America, LabCorp); PubMed 10527683 (cited by Women's Health and Genetics/Laboratory Corporation of America, LabCorp).